The following is an entry in ClinVar:

NM_033064.5(ATCAY):c.282C>T (p.Asn94=)

Gene: ATCAY (ATCAY kinesin light chain interacting caytaxin; plus strand). Cytogenetic location: 19p13.3.
Variant type: single nucleotide variant.
Coding change: c.282C>T on transcript NM_033064.5 (MANE Select); coding-DNA position 282, C replaced by T.
Protein change: p.Asn94=; no amino-acid change (asparagine 94 retained).
Molecular consequence: synonymous variant.
Genome position (GRCh38, 1-based): chr19:3,905,579, C>T. VCF-style: chr19-3905579-C-T. GRCh37 (hg19) VCF-style: chr19-3905577-C-T.
Identifiers: ClinVar variation 2649017 (VCV002649017.24), dbSNP rs549326005, ClinGen allele CA9087081.

ClinVar aggregate classification (germline): Likely benign (1 of 4 stars; one submission).

Allele frequency attached by ClinVar (database versions not stated): TOPMed below 0.00001; gnomAD 0.00001; gnomAD exomes 0.00001; ExAC 0.00002.
gnomAD v4.1: 11 of 1,613,768 alleles (0.00068%); highest among the groups gnomAD compares: African/African-American, 0.0027%; no homozygotes.

Submission:

CeGaT Center for Human Genetics Tuebingen
Classification: Likely benign. Last evaluated: 2022-11-01. Review status: criteria provided, single submitter. Criteria: CeGaT Center For Human Genetics Tuebingen Variant Classification Criteria Version 2. Collection method: clinical testing. Allele origin: germline. Affected: yes. Observed: 1 variant allele.
Comment: ATCAY: BP4, BP7